The following is an entry in ClinVar:

NM_001322934.2(NFKB2):c.1161C>T (p.Pro387=)

Genes: NFKB2 (nuclear factor kappa B subunit 2; plus strand), LOC130004599 (ATAC-STARR-seq lymphoblastoid silent region 2756; plus strand). Cytogenetic location: 10q24.32.
Variant type: single nucleotide variant.
Coding change: c.1161C>T on transcript NM_001322934.2 (MANE Select); coding-DNA position 1161, C replaced by T.
Protein change: p.Pro387=; no amino-acid change (proline 387 retained).
Molecular consequence: synonymous variant.
Genome position (GRCh38, 1-based): chr10:102,399,331, C>T. VCF-style: chr10-102399331-C-T. GRCh37 (hg19) VCF-style: chr10-104159088-C-T.
Other names: c.1161C>T, p.Pro387= (NM_001077493.1, NM_001077494.3, NM_001261403.3 and 2 more transcripts); c.1035C>T, p.Pro345= (NM_001322935.1).
Identifiers: ClinVar variation 2777661 (VCV002777661.4), dbSNP rs1342665604, ClinGen allele CA471244989.

ClinVar aggregate classification (germline): Likely benign. Review status: criteria provided, multiple submitters, no conflicts (2 of 4 stars). 2 submissions from 2 submitters: Likely benign (2). Last evaluated 2025-03-16.

Conditions:
Immunodeficiency, common variable, 10. Also called: DEFICIT IN ANTERIOR PITUITARY FUNCTION AND VARIABLE IMMUNODEFICIENCY; IMMUNODEFICIENCY, COMMON VARIABLE, WITH CENTRAL ADRENAL INSUFFICIENCY. Identifiers: MedGen C3809991, MONDO:0014260, OMIM 615577.

Allele frequency attached by ClinVar (database versions not stated): gnomAD 0.00001; gnomAD exomes 0.00001; TOPMed below 0.00001.
gnomAD v4.1: 18 of 1,587,438 alleles (0.0011%); highest among the groups gnomAD compares: Non-Finnish European, 0.0015%; no homozygotes.

Submissions (2):

Labcorp Genetics (formerly Invitae), Labcorp
Classification: Likely benign for Immunodeficiency, common variable, 10. Last evaluated: 2025-03-16. Review status: criteria provided, single submitter. Criteria: Invitae Variant Classification Sherloc (09022015). Collection method: clinical testing. Allele origin: germline.

Women's Health and Genetics/Laboratory Corporation of America, LabCorp
Classification: Likely benign. Last evaluated: 2024-10-01. Review status: criteria provided, single submitter. Criteria: LabCorp Variant Classification Summary - May 2015. Collection method: clinical testing. Allele origin: germline.
Comment: Variant summary: NFKB2 c.1161C>T alters a conserved nucleotide resulting in a synonymous change. Consensus agreement among computation tools predict no significant impact on normal splicing. However, these predictions have yet to be confirmed by functional studies. The frequency data for this variant in gnomAD is considered unreliable, as metrics indicate poor data quality at this position. To our knowledge, no occurrence of c.1161C>T in individuals affected with Common Variable Immunodeficiency and no experimental evidence demonstrating its impact on protein function have been reported. ClinVar contains an entry for this variant (Variation ID: 2777661). Based on the evidence outlined above, the variant was classified as likely benign.